The following is an entry in ClinVar:

ClinVar aggregate classification (germline): Uncertain significance (1 of 4 stars; one submission).

Allele frequency attached by ClinVar (database versions not stated): ExAC 0.00002; gnomAD exomes 0.00002; gnomAD 0.00005; TOPMed 0.00005; ESP Exome Variant Server 0.00009.
gnomAD v4.1: 37 of 1,609,920 alleles (0.0023%); highest among the groups gnomAD compares: Non-Finnish European, 0.0028%; no homozygotes.

Submission:

Labcorp Genetics (formerly Invitae), Labcorp
Classification: Uncertain significance. Last evaluated: 2022-02-22. Review status: criteria provided, single submitter. Criteria: Invitae Variant Classification Sherloc (09022015). Collection method: clinical testing. Allele origin: germline.
Comment: In summary, the available evidence is currently insufficient to determine the role of this variant in disease. Therefore, it has been classified as a Variant of Uncertain Significance. Algorithms developed to predict the effect of missense changes on protein structure and function (SIFT, PolyPhen-2, Align-GVGD) all suggest that this variant is likely to be disruptive. This variant has not been reported in the literature in individuals affected with MYSM1-related conditions. This variant is present in population databases (rs369461470, gnomAD 0.007%). This sequence change replaces arginine, which is basic and polar, with cysteine, which is neutral and slightly polar, at codon 401 of the MYSM1 protein (p.Arg401Cys).

NM_001085487.3(MYSM1):c.1201C>T (p.Arg401Cys)

Gene: MYSM1 (Myb like, SWIRM and MPN domains 1; minus strand). Cytogenetic location: 1p32.1.
Variant type: single nucleotide variant.
Coding change: c.1201C>T on transcript NM_001085487.3 (MANE Select); coding-DNA position 1201, C replaced by T.
Protein change: p.Arg401Cys; replaces arginine 401 with cysteine.
Molecular consequence: missense variant.
Genome position (GRCh38, 1-based): chr1:58,681,843, G>A on the plus strand (C>T on the coding strand, the complement: MYSM1 is on the minus strand). VCF-style: chr1-58681843-G-A. GRCh37 (hg19) VCF-style: chr1-59147515-G-A.
Other names: short protein forms R401C.
Identifiers: ClinVar variation 2187576 (VCV002187576.2), dbSNP rs369461470, ClinGen allele CA877898.
Genomic context (GRCh38, chr1:58,681,843, plus strand): 5'-ACCATTGATCCAAAATATAATTTCTAATTTTCAAATAGCGTTCTGGTGTTTTAGCTTGGC[G>A]CCCCTCAAAAAACTCAGGAATTGCTTGTTTTTCTTCTTCTTGAATGATATTTCTATCTAT-3'
Protein context (NP_001078956.1, residues 391-411): KQAIPEFFEG[Arg401Cys]QAKTPERYLK